The following is an entry in ClinVar:

NM_006269.2(RP1):c.922C>T (p.Gln308Ter)

Gene: RP1 (RP1 axonemal microtubule associated; plus strand). Cytogenetic location: 8q12.1.
Variant type: single nucleotide variant.
Coding change: c.922C>T on transcript NM_006269.2 (MANE Select); coding-DNA position 922, C replaced by T.
Protein change: p.Gln308Ter; replaces glutamine 308 with a stop codon.
Molecular consequence: nonsense. On other transcripts: intron variant (1).
Genome position (GRCh38, 1-based): chr8:54,624,804, C>T. VCF-style: chr8-54624804-C-T. GRCh37 (hg19) VCF-style: chr8-55537364-C-T.
Other names: c.787+2516C>T (NM_001375654.1); short protein forms Q308*.
Identifiers: ClinVar variation 3640988 (VCV003640988.2).

ClinVar aggregate classification (germline): Pathogenic (1 of 4 stars; one submission).

Submission:

Labcorp Genetics (formerly Invitae), Labcorp
Classification: Pathogenic. Last evaluated: 2025-12-08. Review status: criteria provided, single submitter. Criteria: Invitae Variant Classification Sherloc (09022015). Collection method: clinical testing. Allele origin: germline.
Comment: This sequence change creates a premature translational stop signal (p.Gln308*) in the RP1 gene. While this is not anticipated to result in nonsense mediated decay, it is expected to disrupt the last 1849 amino acid(s) of the RP1 protein. This variant is not present in population databases (gnomAD no frequency). This variant has not been reported in the literature in individuals affected with RP1-related conditions. ClinVar contains an entry for this variant (Variation ID: 3640988). This variant disrupts the C-terminus of the RP1 protein. Many variants that disrupt this region have been reported in individuals with either autosomal dominant or autosomal recessive retinitis pigmentosa (PMID: 11527933, 19933189, 29425069, 30027431, 33681214). Therefore, variants that disrupt this region are expected to be disease-causing. For these reasons, this variant has been classified as Pathogenic.

Literature cited by the submitters: PubMed 11527933; PubMed 19933189; PubMed 29425069; PubMed 30027431; PubMed 33681214.